The following is an entry in ClinVar:

ClinVar aggregate classification (germline): Uncertain significance. Review status: criteria provided, multiple submitters, no conflicts (2 of 4 stars). 2 submissions from 2 submitters: Uncertain significance (2). Last evaluated 2025-04-21.

Conditions:
Inborn genetic diseases. Identifiers: MedGen C0950123, MeSH D030342.

gnomAD v4.1: 12 of 1,607,922 alleles (0.00075%); highest among the groups gnomAD compares: African/African-American, 0.0027%; 1 homozygote.

Submissions (2):

Ambry Genetics
Classification: Uncertain significance for Inborn genetic diseases. Last evaluated: 2025-04-21. Review status: criteria provided, single submitter. Criteria: Ambry Variant Classification Scheme 2023. Collection method: clinical testing. Allele origin: germline.

Labcorp Genetics (formerly Invitae), Labcorp
Classification: Uncertain significance. Last evaluated: 2024-10-24. Review status: criteria provided, single submitter. Criteria: Invitae Variant Classification Sherloc (09022015). Collection method: clinical testing. Allele origin: germline.
Comment: This sequence change replaces arginine, which is basic and polar, with cysteine, which is neutral and slightly polar, at codon 1506 of the POLR1A protein (p.Arg1506Cys). This variant is present in population databases (no rsID available, gnomAD 0.007%). This variant has not been reported in the literature in individuals affected with POLR1A-related conditions. Invitae Evidence Modeling of protein sequence and biophysical properties (such as structural, functional, and spatial information, amino acid conservation, physicochemical variation, residue mobility, and thermodynamic stability) indicates that this missense variant is not expected to disrupt POLR1A protein function with a negative predictive value of 80%. In summary, the available evidence is currently insufficient to determine the role of this variant in disease. Therefore, it has been classified as a Variant of Uncertain Significance.

NM_015425.6(POLR1A):c.4516C>T (p.Arg1506Cys)

Gene: POLR1A (RNA polymerase I subunit A; minus strand). Cytogenetic location: 2p11.2.
Variant type: single nucleotide variant.
Coding change: c.4516C>T on transcript NM_015425.6 (MANE Select); coding-DNA position 4516, C replaced by T.
Protein change: p.Arg1506Cys; replaces arginine 1506 with cysteine.
Molecular consequence: missense variant.
Genome position (GRCh38, 1-based): chr2:86,031,392, G>A on the plus strand (C>T on the coding strand, the complement: POLR1A is on the minus strand). VCF-style: chr2-86031392-G-A. GRCh37 (hg19) VCF-style: chr2-86258515-G-A.
Other names: c.4516C>T (NM_015425.3); short protein forms R1506C.
Identifiers: ClinVar variation 3665928 (VCV003665928.3).